The following is an entry in ClinVar:

ClinVar aggregate classification (germline): Uncertain significance (1 of 4 stars; one submission).

Allele frequency attached by ClinVar (database versions not stated): TOPMed below 0.00001; ExAC 0.00001; gnomAD exomes 0.00001 and 0.00002.
gnomAD v4.1: 17 of 1,613,546 alleles (0.0011%); highest among the groups gnomAD compares: East Asian, 0.0045%; no homozygotes.

Submission:

Labcorp Genetics (formerly Invitae), Labcorp
Classification: Uncertain significance. Last evaluated: 2022-09-19. Review status: criteria provided, single submitter. Criteria: Invitae Variant Classification Sherloc (09022015). Collection method: clinical testing. Allele origin: germline.
Comment: Advanced modeling of protein sequence and biophysical properties (such as structural, functional, and spatial information, amino acid conservation, physicochemical variation, residue mobility, and thermodynamic stability) performed at Invitae indicates that this missense variant is not expected to disrupt DLL4 protein function. In summary, the available evidence is currently insufficient to determine the role of this variant in disease. Therefore, it has been classified as a Variant of Uncertain Significance. ClinVar contains an entry for this variant (Variation ID: 1422228). This variant has not been reported in the literature in individuals affected with DLL4-related conditions. This variant is present in population databases (rs777108179, gnomAD 0.006%). This sequence change replaces arginine, which is basic and polar, with tryptophan, which is neutral and slightly polar, at codon 378 of the DLL4 protein (p.Arg378Trp).

NM_019074.4(DLL4):c.1132C>T (p.Arg378Trp)

Gene: DLL4 (delta like canonical Notch ligand 4; plus strand). Cytogenetic location: 15q15.1.
Variant type: single nucleotide variant.
Coding change: c.1132C>T on transcript NM_019074.4 (MANE Select); coding-DNA position 1132, C replaced by T.
Protein change: p.Arg378Trp; replaces arginine 378 with tryptophan.
Molecular consequence: missense variant.
Genome position (GRCh38, 1-based): chr15:40,935,009, C>T. VCF-style: chr15-40935009-C-T. GRCh37 (hg19) VCF-style: chr15-41227207-C-T.
Other names: short protein forms R378W.
Identifiers: ClinVar variation 1422228 (VCV001422228.6), dbSNP rs777108179, ClinGen allele CA7487860.
Genomic context (GRCh38, chr15:40,935,009, plus strand): 5'-CATTGTGAACACAGCACCTTGAGCTGCGCCGACTCCCCCTGCTTCAATGGGGGCTCCTGC[C>T]GGGAGCGCAACCAGGGGGCCAACTATGCTTGTGAATGTCCCCCCAACTTCACCGGCTCCA-3'
Protein context (NP_061947.1, residues 368-388): DSPCFNGGSC[Arg378Trp]ERNQGANYAC